The following is an entry in ClinVar:

ClinVar aggregate classification (germline): Pathogenic (1 of 4 stars; one submission).

Conditions:
DICER1-related tumor predisposition. Also called: DICER1-related pleuropulmonary blastoma cancer predisposition syndrome; DICER1 syndrome. Identifiers: Orphanet 284343, MedGen C3839822, MONDO:0100216.

Submission:

Myriad Genetics, Inc.
Classification: Pathogenic for DICER1-related tumor predisposition. Last evaluated: 2026-09-14. Review status: criteria provided, single submitter. Criteria: Myriad Autosomal Dominant, Autosomal Recessive and X-Linked Classification Criteria (2023). Collection method: clinical testing. Allele origin: unknown.
Comment: This variant is considered pathogenic. This variant creates a frameshift predicted to result in premature protein truncation.

NM_177438.3(DICER1):c.4807dup (p.Leu1603fs)

Gene: DICER1 (dicer 1, ribonuclease III; minus strand). Cytogenetic location: 14q32.13.
Variant type: Duplication.
Coding change: c.4807dup on transcript NM_177438.3 (MANE Select); coding-DNA position 4807, one base duplicated (C; older notation c.4807dupC).
Protein change: p.Leu1603fs; shifts the reading frame from leucine 1603.
Molecular consequence: frameshift variant. On other transcripts: non-coding transcript variant (6).
Genome position (GRCh38, 1-based): chr14:95,096,113, G duplicated on the plus strand (C on the coding strand, the reverse complement: DICER1 is on the minus strand); the first of 3 consecutive G bases (chr14:95,096,113-95,096,115); duplicating any one gives the same sequence. VCF-style (leftmost placement, unchanged base first): chr14-95096112-A-AG. GRCh37 (hg19) VCF-style: chr14-95562449-A-AG.
Other names: c.4807dup, p.Leu1603fs (NM_001195573.1, NM_001271282.3, NM_001291628.2 and 12 more transcripts); c.4525dup, p.Leu1509fs (NM_001395686.1); c.4402dup, p.Leu1468fs (NM_001395687.1, NM_001395688.1, NM_001395689.1 and 2 more transcripts); c.4240dup, p.Leu1414fs (NM_001395691.1); c.3124dup, p.Leu1042fs (NM_001395697.1); short protein forms L1042fs, L1414fs, L1468fs, L1509fs, L1603fs.
Identifiers: ClinVar variation 5042289 (VCV005042289.1).